The following is an entry in ClinVar:

ClinVar aggregate classification (germline): Pathogenic (1 of 4 stars; one submission).

Allele frequency attached by ClinVar (database versions not stated): TOPMed 0.00001; gnomAD 0.00002; gnomAD exomes 0.00002.

Submission:

Labcorp Genetics (formerly Invitae), Labcorp
Classification: Pathogenic. Last evaluated: 2022-06-17. Review status: criteria provided, single submitter. Criteria: Invitae Variant Classification Sherloc (09022015). Collection method: clinical testing. Allele origin: germline.
Comment: For these reasons, this variant has been classified as Pathogenic. This variant has not been reported in the literature in individuals affected with COL4A2-related conditions. This variant is present in population databases (no rsID available, gnomAD 0.007%). This sequence change creates a premature translational stop signal (p.Asp516Alafs*55) in the COL4A2 gene. It is expected to result in an absent or disrupted protein product. Loss-of-function variants in COL4A2 are known to be pathogenic (PMID: 22333902, 30315939).

Literature cited by the submitters: PubMed 22333902; PubMed 30315939.

NM_001846.4(COL4A2):c.1547del (p.Asp516fs)

Genes: COL4A2 (collagen type IV alpha 2 chain; plus strand), COL4A2-AS2 (COL4A2 antisense RNA 2; minus strand). Cytogenetic location: 13q34.
Variant type: Deletion.
Coding change: c.1547del on transcript NM_001846.4 (MANE Select); coding-DNA position 1547, one base deleted (A; older notation c.1547delA).
Protein change: p.Asp516fs; shifts the reading frame from aspartic acid 516.
Molecular consequence: frameshift variant.
Genome position (GRCh38, 1-based): chr13:110,458,885, A deleted. VCF-style (leftmost placement, unchanged base first): chr13-110458884-GA-G. GRCh37 (hg19) VCF-style: chr13-111111231-GA-G.
Other names: short protein forms D516fs.
Identifiers: ClinVar variation 1948910 (VCV001948910.5), dbSNP rs1263967109, ClinGen allele CA612866589.
Genomic context (GRCh38, chr13:110,458,884, plus strand): 5'-CCGGGACTGCCAGGACCCAAGGGCTTCGCAGGCATCAACGGGGAGCCGGGGAGGAAAGGG[GA>G]CAGAGGAGACCCCGGCCAACACGGCCTCCCTGGGTTCCCAGGGCTCAAGGTGAGGAGCAA-3'